The following is an entry in ClinVar:

ClinVar aggregate classification (germline): Conflicting classifications of pathogenicity. Review status: criteria provided, conflicting classifications (1 of 4 stars). 2 submissions from 2 submitters: Likely pathogenic (1); Uncertain significance (1). Last evaluated 2024-04-05.

Conditions:
PMM2-congenital disorder of glycosylation. Also called: CDG Ia; JAEKEN SYNDROME; PHOSPHOMANNOMUTASE 2 DEFICIENCY; CARBOHYDRATE-DEFICIENT GLYCOPROTEIN SYNDROME, TYPE Ia; Congenital disorder of glycosylation, type Ia; PMM2-CDG. Identifiers: Orphanet 79318, MedGen C0349653, MONDO:0008907, OMIM 212065.

Submissions (2):

Fulgent Genetics
Classification: Likely pathogenic for PMM2-congenital disorder of glycosylation. Last evaluated: 2024-04-05. Review status: criteria provided, single submitter. Criteria: ACMG Guidelines, 2015. Collection method: clinical testing. Allele origin: germline.

Women's Health and Genetics/Laboratory Corporation of America, LabCorp
Classification: Uncertain significance. Last evaluated: 2024-04-04. Review status: criteria provided, single submitter. Criteria: LabCorp Variant Classification Summary - May 2015. Collection method: clinical testing. Allele origin: germline.
Comment: Variant summary: PMM2 c.422G>T (p.Arg141Leu) results in a non-conservative amino acid change in the encoded protein sequence. Five of five in-silico tools predict a damaging effect of the variant on protein function. The variant was absent in 192974 control chromosomes (gnomAD). To our knowledge, no occurrence of c.422G>T in individuals affected with Congenital Disorder Of Glycosylation Type 1a and no experimental evidence demonstrating its impact on protein function have been reported. However, other missense variants affecting the same codon (p.Arg141His, p.Arg141Cys) have been observed in affected individuals and have been classified as pathogenic/likely pathogenic by our laboratory and others in ClinVar, suggesting this residue may be important for protein function. No submitters have cited clinical-significance assessments for this variant to ClinVar. Based on the evidence outlined above, the variant was classified as VUS-possibly pathogenic.

NM_000303.3(PMM2):c.422G>T (p.Arg141Leu)

Gene: PMM2 (phosphomannomutase 2; plus strand). Cytogenetic location: 16p13.2.
Variant type: single nucleotide variant.
Coding change: c.422G>T on transcript NM_000303.3 (MANE Select); coding-DNA position 422, G replaced by T.
Protein change: p.Arg141Leu; replaces arginine 141 with leucine.
Molecular consequence: missense variant.
Genome position (GRCh38, 1-based): chr16:8,811,153, G>T. VCF-style: chr16-8811153-G-T. GRCh37 (hg19) VCF-style: chr16-8905010-G-T.
Other names: short protein forms R141L.
Identifiers: ClinVar variation 3251545 (VCV003251545.2), dbSNP rs28936415.
Genomic context (GRCh38, chr16:8,811,153, plus strand): 5'-AATTCCGAAATGGGATGTTAAACGTGTCCCCTATTGGAAGAAGCTGCAGCCAAGAAGAAC[G>T]CATTGAGTTCTACGAACTCGATAAAGTACGTCTTTCTGAAATATCTTTGGTGAATGGCTG-3'
Protein context (NP_000294.1, residues 131-151): PIGRSCSQEE[Arg141Leu]IEFYELDKKE